The following is an entry in ClinVar:

NM_020632.3(ATP6V0A4):c.2139+1G>T

Gene: ATP6V0A4 (ATPase H+ transporting V0 subunit a4; minus strand). Cytogenetic location: 7q34.
Variant type: single nucleotide variant.
Coding change: c.2139+1G>T on transcript NM_020632.3 (MANE Select); the canonical splice donor site of the intron after coding-DNA position 2139, G replaced by T.
Molecular consequence: splice donor variant.
Genome position (GRCh38, 1-based): chr7:138,721,896, C>A on the plus strand (G>T on the coding strand, the complement: ATP6V0A4 is on the minus strand). VCF-style: chr7-138721896-C-A. GRCh37 (hg19) VCF-style: chr7-138406641-C-A.
Other names: c.2139+1G>T (NM_130840.3, NM_130841.3).
Identifiers: ClinVar variation 2691295 (VCV002691295.1), dbSNP rs2485806968, ClinGen allele CA369376939.

ClinVar aggregate classification (germline): Likely pathogenic (1 of 4 stars; one submission).

Conditions:
Autosomal recessive distal renal tubular acidosis. Identifiers: Orphanet 402041, MedGen C1864498, MONDO:0018440.

Submission:

Women's Health and Genetics/Laboratory Corporation of America, LabCorp
Classification: Likely pathogenic for Autosomal recessive distal renal tubular acidosis. Last evaluated: 2023-12-15. Review status: criteria provided, single submitter. Criteria: LabCorp Variant Classification Summary - May 2015. Collection method: clinical testing. Allele origin: germline.
Comment: Variant summary: ATP6V0A4 c.2139+1G>T is located in a canonical splice-site and is predicted to affect mRNA splicing resulting in a significantly altered protein due to either exon skipping, shortening, or inclusion of intronic material. Several computational tools predict a significant impact on normal splicing: Four predict the variant abolishes a 5' splicing donor site. However, these predictions have yet to be confirmed by functional studies. The variant was absent in 251308 control chromosomes. To our knowledge, no occurrence of c.2139+1G>T in individuals affected with Renal Tubular Acidosis, Distal, Autosomal Recessive and no experimental evidence demonstrating its impact on protein function have been reported. No submitters have cited clinical-significance assessments for this variant to ClinVar after 2014. Based on the evidence outlined above, the variant was classified as likely pathogenic.